The following is an entry in ClinVar:

NM_003884.5(KAT2B):c.2082A>C (p.Gly694=)

Gene: KAT2B (lysine acetyltransferase 2B; plus strand). Cytogenetic location: 3p24.3.
Variant type: single nucleotide variant.
Coding change: c.2082A>C on transcript NM_003884.5 (MANE Select); coding-DNA position 2082, A replaced by C.
Protein change: p.Gly694=; no amino-acid change (glycine 694 retained).
Molecular consequence: synonymous variant.
Genome position (GRCh38, 1-based): chr3:20,146,393, A>C. VCF-style: chr3-20146393-A-C. GRCh37 (hg19) VCF-style: chr3-20187885-A-C.
Identifiers: ClinVar variation 3058809 (VCV003058809.2), dbSNP rs150351875, ClinGen allele CA2284802.

ClinVar aggregate classification (germline): Likely benign (0 of 4 stars; one submission).

Conditions:
KAT2B-related disorder. Also called: KAT2B-related condition.

Allele frequency attached by ClinVar (database versions not stated): gnomAD exomes 0.00001; ExAC 0.00006; ESP Exome Variant Server 0.00015; TOPMed 0.00015; 1000 Genomes Project 30x 0.00016; gnomAD 0.00018; 1000 Genomes Project 0.00020.
gnomAD v4.1: 48 of 1,613,006 alleles (0.003%); highest among the groups gnomAD compares: African/African-American, 0.057%; no homozygotes.

Submission:

PreventionGenetics, part of Exact Sciences
Classification: Likely benign for KAT2B-related condition. Last evaluated: 2019-03-25. Review status: no assertion criteria provided. Collection method: clinical testing. Allele origin: germline.
Comment: This variant is classified as likely benign based on ACMG/AMP sequence variant interpretation guidelines (Richards et al. 2015 PMID: 25741868, with internal and published modifications).